The following is an entry in ClinVar:

ClinVar aggregate classification (germline): Uncertain significance (1 of 4 stars; one submission).

Submission:

GeneDx
Classification: Uncertain significance. Last evaluated: 2024-06-11. Review status: criteria provided, single submitter. Criteria: GeneDx Variant Classification Process June 2021. Collection method: clinical testing. Allele origin: germline. Affected: yes.
Comment: Not observed at significant frequency in large population cohorts (gnomAD); In silico analysis supports that this missense variant has a deleterious effect on protein structure/function; Has not been previously published as pathogenic or benign to our knowledge

NM_004972.4(JAK2):c.2164G>C (p.Glu722Gln)

Genes: INSL6 (insulin like 6; minus strand), JAK2 (Janus kinase 2; plus strand). Cytogenetic location: 9p24.1.
Variant type: single nucleotide variant.
Coding change: c.2164G>C on transcript NM_004972.4 (MANE Select); coding-DNA position 2164, G replaced by C.
Protein change: p.Glu722Gln; replaces glutamic acid 722 with glutamine.
Molecular consequence: missense variant. On other transcripts: non-coding transcript variant (2).
Genome position (GRCh38, 1-based): chr9:5,080,261, G>C. VCF-style: chr9-5080261-G-C. GRCh37 (hg19) VCF-style: chr9-5080261-G-C.
Other names: c.2164G>C, p.Glu722Gln (NM_001322194.2, NM_001322195.2, NM_001322196.2); c.949G>C, p.Glu317Gln (NM_001322198.2, NM_001322199.2); c.1717G>C, p.Glu573Gln (NM_001322204.2); short protein forms E317Q, E573Q, E722Q.
Identifiers: ClinVar variation 3390434 (VCV003390434.1).